The following is an entry in ClinVar:

ClinVar aggregate classification (germline): Uncertain significance (1 of 4 stars; one submission).

Submission:

GeneDx
Classification: Uncertain significance. Last evaluated: 2023-12-28. Review status: criteria provided, single submitter. Criteria: GeneDx Variant Classification Process June 2021. Collection method: clinical testing. Allele origin: germline. Affected: yes.
Comment: Not observed at significant frequency in large population cohorts (gnomAD); In silico analysis supports that this missense variant has a deleterious effect on protein structure/function; Has not been previously published as pathogenic or benign to our knowledge

NM_001673.5(ASNS):c.1501G>A (p.Ala501Thr)

Genes: ASNS (asparagine synthetase (glutamine-hydrolyzing); minus strand), CZ1P-ASNS (CZ1P-ASNS readthrough; minus strand). Cytogenetic location: 7q21.3.
Variant type: single nucleotide variant.
Coding change: c.1501G>A on transcript NM_001673.5 (MANE Select); coding-DNA position 1501, G replaced by A.
Protein change: p.Ala501Thr; replaces alanine 501 with threonine.
Molecular consequence: missense variant. On other transcripts: non-coding transcript variant (1).
Genome position (GRCh38, 1-based): chr7:97,852,444, C>T on the plus strand (G>A on the coding strand, the complement: ASNS is on the minus strand). VCF-style: chr7-97852444-C-T. GRCh37 (hg19) VCF-style: chr7-97481756-C-T.
Other names: c.1438G>A, p.Ala480Thr (NM_001178075.2); c.1252G>A, p.Ala418Thr (NM_001178076.2, NM_001178077.1); c.1501G>A, p.Ala501Thr (NM_001352496.2, NM_133436.3, NM_183356.4); short protein forms A418T, A480T, A501T.
Identifiers: ClinVar variation 3370188 (VCV003370188.1).